The following is an entry in ClinVar:

NM_012096.3(APPL1):c.1701A>G (p.Pro567=)

Gene: APPL1 (adaptor protein, phosphotyrosine interacting with PH domain and leucine zipper 1; plus strand). Cytogenetic location: 3p14.3.
Variant type: single nucleotide variant.
Coding change: c.1701A>G on transcript NM_012096.3 (MANE Select); coding-DNA position 1701, A replaced by G.
Protein change: p.Pro567=; no amino-acid change (proline 567 retained).
Molecular consequence: synonymous variant.
Genome position (GRCh38, 1-based): chr3:57,260,633, A>G. VCF-style: chr3-57260633-A-G. GRCh37 (hg19) VCF-style: chr3-57294661-A-G.
Other names: c.1701A>G (NM_012096.2).
Identifiers: ClinVar variation 2160526 (VCV002160526.5), dbSNP rs761594932, ClinGen allele CA2463917.
Genomic context (GRCh38, chr3:57,260,633, plus strand): 5'-GCTGCTGTAATGACTTGTAAGATCTCATGTTTGCTTCTGATGTTTTCTGTGGCAGTTTCC[A>G]TTACCTTGTGTAGTTTTGTATGCTACACACCAGGAAAATAAGCGCCTTTTTGGATTTGTT-3'
Protein context (NP_036228.1, residues 557-577): PQTQVTRLTF[Pro567=]LPCVVLYATH

ClinVar aggregate classification (germline): Likely benign. Review status: criteria provided, multiple submitters, no conflicts (2 of 4 stars). 2 submissions from 2 submitters: Likely benign (2). Last evaluated 2025-07-01.

Conditions:
APPL1-related disorder. Also called: APPL1-related condition.

Allele frequency attached by ClinVar (database versions not stated): TOPMed 0.00002; ExAC 0.00004.
gnomAD v4.1: 24 of 1,605,864 alleles (0.0015%); highest among the groups gnomAD compares: Non-Finnish European, 0.002%; no homozygotes.

Submissions (2):

PreventionGenetics, part of Exact Sciences
Classification: Likely benign for APPL1-related condition. Last evaluated: 2025-07-01. Review status: criteria provided, single submitter. Criteria: ACMG Guidelines, 2015. Collection method: clinical testing. Allele origin: germline.
Comment: This variant is classified as likely benign based on ACMG/AMP sequence variant interpretation guidelines (Richards et al. 2015 PMID: 25741868, with internal and published modifications).

Labcorp Genetics (formerly Invitae), Labcorp
Classification: Likely benign. Last evaluated: 2024-10-29. Review status: criteria provided, single submitter. Criteria: Invitae Variant Classification Sherloc (09022015). Collection method: clinical testing. Allele origin: germline.